The following is an entry in ClinVar:

ClinVar aggregate classification (germline): Likely benign (1 of 4 stars; one submission).

Submission:

CeGaT Center for Human Genetics Tuebingen
Classification: Likely benign. Last evaluated: 2025-10-01. Review status: criteria provided, single submitter. Criteria: CeGaT Center For Human Genetics Tuebingen Variant Classification Criteria Version 2. Collection method: clinical testing. Allele origin: germline. Affected: yes. Observed: 1 variant allele.
Comment: LNX1: PM2:Supporting, BP4, BP7

NM_001126328.3(LNX1):c.750T>C (p.Asn250=)

Genes: LNX1 (ligand of numb-protein X 1; minus strand), LNX1-AS1 (LNX1 antisense RNA 1; plus strand). Cytogenetic location: 4q12.
Variant type: single nucleotide variant.
Coding change: c.750T>C on transcript NM_001126328.3 (MANE Select); coding-DNA position 750, T replaced by C.
Protein change: p.Asn250=; no amino-acid change (asparagine 250 retained).
Molecular consequence: synonymous variant.
Genome position (GRCh38, 1-based): chr4:53,507,342, A>G on the plus strand (T>C on the coding strand, the complement: LNX1 is on the minus strand). VCF-style: chr4-53507342-A-G. GRCh37 (hg19) VCF-style: chr4-54373509-A-G.
Other names: c.462T>C, p.Asn154= (NM_032622.3).
Identifiers: ClinVar variation 4534830 (VCV004534830.6).
Genomic context (GRCh38, chr4:53,507,342, plus strand): 5'-CCATGTCCATCCAGCCTTATGGGGAGTTCATTTACCTTCAGGGGCAGTGGTGTTTTCAGA[A>G]TTTTCCCTGCCCTGGTCGGCATGGTTGGCAACTGCACTCCCGCTCTTTGTCCTTCGAAGA-3'
Protein context (NP_001119800.1, residues 240-260): VANHADQGRE[Asn250=]SENTTAPEVF